The following is an entry in ClinVar:

NM_000082.4(ERCC8):c.99T>C (p.Asn33=)

Gene: ERCC8 (ERCC excision repair 8, CSA ubiquitin ligase complex subunit; minus strand). Cytogenetic location: 5q12.1.
Variant type: single nucleotide variant.
Coding change: c.99T>C on transcript NM_000082.4 (MANE Select); coding-DNA position 99, T replaced by C.
Protein change: p.Asn33=; no amino-acid change (asparagine 33 retained).
Molecular consequence: synonymous variant. On other transcripts: 5 prime UTR variant (2).
Genome position (GRCh38, 1-based): chr5:60,928,938, A>G on the plus strand (T>C on the coding strand, the complement: ERCC8 is on the minus strand). VCF-style: chr5-60928938-A-G. GRCh37 (hg19) VCF-style: chr5-60224765-A-G.
Other names: c.-294T>C (NM_001007233.3); c.99T>C, p.Asn33= (NM_001007234.3); c.-279T>C (NM_001290285.2).
Identifiers: ClinVar variation 1096011 (VCV001096011.31), dbSNP rs779993885, ClinGen allele CA3277959.

ClinVar aggregate classification (germline): Likely benign. Review status: criteria provided, multiple submitters, no conflicts (2 of 4 stars). 2 submissions from 2 submitters: Likely benign (2). Last evaluated 2024-02-23.

Allele frequency attached by ClinVar (database versions not stated): gnomAD exomes 0.00001 and 0.00003; TOPMed 0.00001; ExAC 0.00002; gnomAD 0.00002.
gnomAD v4.1: 46 of 1,603,000 alleles (0.0029%); highest among the groups gnomAD compares: Non-Finnish European, 0.0035%; no homozygotes.

Submissions (2):

Labcorp Genetics (formerly Invitae), Labcorp
Classification: Likely benign. Last evaluated: 2024-02-23. Review status: criteria provided, single submitter. Criteria: Invitae Variant Classification Sherloc (09022015). Collection method: clinical testing. Allele origin: germline.

CeGaT Center for Human Genetics Tuebingen
Classification: Likely benign. Last evaluated: 2023-12-01. Review status: criteria provided, single submitter. Criteria: CeGaT Center For Human Genetics Tuebingen Variant Classification Criteria Version 2. Collection method: clinical testing. Allele origin: germline. Affected: yes. Observed: 1 variant allele.
Comment: ERCC8: BP4, BP7